The following is an entry in ClinVar:

ClinVar aggregate classification (germline): Conflicting classifications of pathogenicity. Review status: criteria provided, conflicting classifications (1 of 4 stars). 3 submissions from 3 submitters: Uncertain significance (1); Likely benign (2). Last evaluated 2026-04-01.

Conditions:
Intellectual developmental disorder with seizures and language delay (IDDSELD). Identifiers: MedGen C5436574, MONDO:0033559, OMIM 619000.
Inborn genetic diseases. Identifiers: MedGen C0950123, MeSH D030342.

Allele frequency attached by ClinVar (database versions not stated): ExAC 0.00005; TOPMed 0.00005.

Submissions (3):

CeGaT Center for Human Genetics Tuebingen
Classification: Likely benign. Last evaluated: 2026-04-01. Review status: criteria provided, single submitter. Criteria: CeGaT Center For Human Genetics Tuebingen Variant Classification Criteria Version 2. Collection method: clinical testing. Allele origin: germline. Affected: yes. Observed: 1 variant allele.
Comment: SETD1B: BS2

Ambry Genetics
Classification: Likely benign for Inborn genetic diseases. Last evaluated: 2025-04-12. Review status: criteria provided, single submitter. Criteria: Ambry Variant Classification Scheme 2023. Collection method: clinical testing. Allele origin: germline.

Revvity Omics, Revvity
Classification: Uncertain significance for Intellectual developmental disorder with seizures and language delay. Last evaluated: 2022-12-21. Review status: criteria provided, single submitter. Criteria: ACMG Guidelines, 2015. Collection method: clinical testing. Allele origin: germline.

NM_001353345.2(SETD1B):c.931C>T (p.Arg311Trp)

Gene: SETD1B (SET domain containing 1B, histone lysine methyltransferase; plus strand). Cytogenetic location: 12q24.31.
Variant type: single nucleotide variant.
Coding change: c.931C>T on transcript NM_001353345.2 (MANE Select); coding-DNA position 931, C replaced by T.
Protein change: p.Arg311Trp; replaces arginine 311 with tryptophan.
Molecular consequence: missense variant.
Genome position (GRCh38, 1-based): chr12:121,809,876, C>T. VCF-style: chr12-121809876-C-T. GRCh37 (hg19) VCF-style: chr12-122247782-C-T.
Other names: NM_015048.1:c.931C>T; short protein forms R311W.
Identifiers: ClinVar variation 2435852 (VCV002435852.6), dbSNP rs200717752, ClinGen allele CA6838811.
Genomic context (GRCh38, chr12:121,809,876, plus strand): 5'-AGCCGCCAGCCCACACCCTCATACCTCTTCAGCCAGGACCCTGCAGTGACCTTCAAGGCC[C>T]GGCGCCACGAGAGCAAGTTCACGGACGCCTACAACCGCCGCCACGAACATCATTATGTAC-3'
Protein context (NP_001340274.1, residues 301-321): SQDPAVTFKA[Arg311Trp]RHESKFTDAY